The following is an entry in ClinVar:

NM_133259.4(LRPPRC):c.601C>T (p.Gln201Ter)

Gene: LRPPRC (leucine rich pentatricopeptide repeat containing; minus strand). Cytogenetic location: 2p21.
Variant type: single nucleotide variant.
Coding change: c.601C>T on transcript NM_133259.4 (MANE Select); coding-DNA position 601, C replaced by T.
Protein change: p.Gln201Ter; replaces glutamine 201 with a stop codon.
Molecular consequence: nonsense.
Genome position (GRCh38, 1-based): chr2:43,977,043, G>A on the plus strand (C>T on the coding strand, the complement: LRPPRC is on the minus strand). VCF-style: chr2-43977043-G-A. GRCh37 (hg19) VCF-style: chr2-44204182-G-A.
Other names: short protein forms Q201*.
Identifiers: ClinVar variation 550306 (VCV000550306.14), dbSNP rs1553411748, ClinGen allele CA346675654.
Genomic context (GRCh38, chr2:43,977,043, plus strand): 5'-CAGATCCATACCTGGCACCTTCAATATCTCCTACATTACAATAAGAAGCAATCAATCTCT[G>A]GTATGTCACCTGTCAATGAAATGGGCCAGTTAATTTTAAATATACTTTTTTTTCTGAGTA-3'

ClinVar aggregate classification (germline): Pathogenic/Likely pathogenic. Review status: criteria provided, multiple submitters, no conflicts (2 of 4 stars). 3 submissions from 3 submitters: Pathogenic (1); Likely pathogenic (1). 1 of the submissions does not count toward it. Last evaluated 2025-09-26.

Conditions:
Congenital lactic acidosis, Saguenay-Lac-Saint-Jean type (MC4DN5). Also called: MITOCHONDRIAL COMPLEX IV DEFICIENCY, NUCLEAR TYPE 5; CYTOCHROME c OXIDASE DEFICIENCY, FRENCH CANADIAN TYPE; COX DEFICIENCY, FRENCH CANADIAN TYPE. Identifiers: Orphanet 70472, MedGen C1857355, MONDO:0009069, OMIM 220111.

Allele frequency attached by ClinVar (database versions not stated): gnomAD exomes below 0.00001.
gnomAD v4.1: 4 of 1,612,940 alleles (0.00025%); highest among the groups gnomAD compares: Non-Finnish European, 0.00034%; no homozygotes.

Submissions (3):

Natera, Inc.
Classification: Likely pathogenic for French-Canadian type Leigh syndrome. Last evaluated: 2025-09-26. Review status: criteria provided, single submitter. Criteria: Natera Variant Classification Schema (03/2026). Collection method: clinical testing. Allele origin: germline.
Comment: The c.601C>T variant in LRPPRC is a nonsense variant predicted to introduce a stop codon at amino acid 201. This variant is expected to result in nonsense mediated decay, truncation, or a dysfunctional protein product. This variant is rare in the general population with a frequency below the threshold expected for the associated phenotype(s). Given the available evidence, this variant is classified as Likely Pathogenic.

Labcorp Genetics (formerly Invitae), Labcorp
Classification: Pathogenic. Last evaluated: 2022-09-28. Review status: criteria provided, single submitter. Criteria: Invitae Variant Classification Sherloc (09022015). Collection method: clinical testing. Allele origin: germline.
Comment: For these reasons, this variant has been classified as Pathogenic. Algorithms developed to predict the effect of sequence changes on RNA splicing suggest that this variant may disrupt the consensus splice site. ClinVar contains an entry for this variant (Variation ID: 550306). This variant has not been reported in the literature in individuals affected with LRPPRC-related conditions. This variant is not present in population databases (gnomAD no frequency). This sequence change creates a premature translational stop signal (p.Gln201*) in the LRPPRC gene. It is expected to result in an absent or disrupted protein product. Loss-of-function variants in LRPPRC are known to be pathogenic (PMID: 26510951).

Counsyl
Classification: Likely pathogenic for Congenital lactic acidosis, Saguenay-Lac-Saint-Jean type. Last evaluated: 2016-12-28. Review status: no assertion criteria provided. Collection method: clinical testing. Allele origin: unknown. Not counted in ClinVar's aggregate classification.

Literature cited by the submitters: PubMed 26510951 (cited by Labcorp Genetics (formerly Invitae), Labcorp).